The following is an entry in ClinVar:

ClinVar aggregate classification (germline): Uncertain significance (1 of 4 stars; one submission).

Submission:

Labcorp Genetics (formerly Invitae), Labcorp
Classification: Uncertain significance. Last evaluated: 2023-07-17. Review status: criteria provided, single submitter. Criteria: Invitae Variant Classification Sherloc (09022015). Collection method: clinical testing. Allele origin: germline.
Comment: In summary, the available evidence is currently insufficient to determine the role of this variant in disease. Therefore, it has been classified as a Variant of Uncertain Significance. Algorithms developed to predict the effect of sequence changes on RNA splicing suggest that this variant may create or strengthen a splice site. This variant has not been reported in the literature in individuals affected with USH2A-related conditions. This variant is not present in population databases (gnomAD no frequency). This sequence change affects codon 2411 of the USH2A mRNA. It is a 'silent' change, meaning that it does not change the encoded amino acid sequence of the USH2A protein.

NM_206933.4(USH2A):c.7233A>G (p.Gln2411=)

Gene: USH2A (usherin; minus strand). Cytogenetic location: 1q41.
Variant type: single nucleotide variant.
Coding change: c.7233A>G on transcript NM_206933.4 (MANE Select); coding-DNA position 7233, A replaced by G.
Protein change: p.Gln2411=; no amino-acid change (glutamine 2411 retained).
Molecular consequence: synonymous variant.
Genome position (GRCh38, 1-based): chr1:215,934,683, T>C on the plus strand (A>G on the coding strand, the complement: USH2A is on the minus strand). VCF-style: chr1-215934683-T-C. GRCh37 (hg19) VCF-style: chr1-216108025-T-C.
Identifiers: ClinVar variation 2739243 (VCV002739243.3), dbSNP rs2464889420, ClinGen allele CA423317323.